The following is an entry in ClinVar:

ClinVar aggregate classification (germline): Pathogenic (1 of 4 stars; one submission).

Submission:

GeneDx
Classification: Pathogenic. Last evaluated: 2016-01-14. Review status: criteria provided, single submitter. Criteria: GeneDx Variant Classification (06012015). Collection method: clinical testing. Allele origin: germline. Affected: yes.
Comment: The c.2841dupA pathogenic variant in the CREBBP gene has not been reported previously as a pathogenic variant nor as a benign variant, to our knowledge. The c.2841dupA variant causes a frameshift starting with codon Glutamine 948, changes this amino acid to a Threonine residue, and creates a premature Stop codon at position 22 of the new reading frame, denoted p.Gln948ThrfsX22. This variant is predicted to cause loss of normal protein function either through protein truncation or nonsense-mediated mRNA decay. The c.2841dupA variant was not observed in approximately 6,500 individuals of European and African American ancestry in the NHLBI Exome Sequencing Project, indicating it is not a common benign variant in these populations. We interpret c.2841dupA as a pathogenic variant.

NM_004380.3(CREBBP):c.2841dup (p.Gln948fs)

Gene: CREBBP (CREB binding protein; minus strand). Cytogenetic location: 16p13.3.
Variant type: Duplication.
Coding change: c.2841dup on transcript NM_004380.3 (MANE Select); coding-DNA position 2841, one base duplicated (A; older notation c.2841dupA).
Protein change: p.Gln948fs; shifts the reading frame from glutamine 948.
Molecular consequence: frameshift variant.
Genome position (GRCh38, 1-based): chr16:3,770,609, T duplicated on the plus strand (A on the coding strand, the reverse complement: CREBBP is on the minus strand); the first of 2 consecutive T bases (chr16:3,770,609-3,770,610); duplicating either gives the same sequence. VCF-style (leftmost placement, unchanged base first): chr16-3770608-G-GT. GRCh37 (hg19) VCF-style: chr16-3820609-G-GT.
Other names: c.2727dup, p.Gln910fs (NM_001079846.1); c.2841dupA (NM_004380.2); short protein forms Q910fs, Q948fs.
Identifiers: ClinVar variation 280222 (VCV000280222.2), dbSNP rs886041468, ClinGen allele CA10603412.